The following is an entry in ClinVar:

ClinVar aggregate classification (germline): Uncertain significance (1 of 4 stars; one submission).

Conditions:
Alpha thalassemia-X-linked intellectual disability syndrome (ATRX). Also called: ALPHA-THALASSEMIA/MENTAL RETARDATION SYNDROME, X-LINKED; ATR, NONDELETION TYPE; ATR-X syndrome; Alpha thalassemia mental retardation syndrome, nondeletion type, X-linked; XLMR hypotonic face syndrome; X-linked alpha-thalassemia-mental retardation syndrome. Identifiers: Orphanet 847, MedGen C1845055, MONDO:0010519, OMIM 301040.

gnomAD v4.1: 1 of 1,205,552 alleles (0.000083%); no homozygotes.

Submission:

Labcorp Genetics (formerly Invitae), Labcorp
Classification: Uncertain significance for Alpha thalassemia-X-linked intellectual disability syndrome. Last evaluated: 2025-09-23. Review status: criteria provided, single submitter. Criteria: Invitae Variant Classification Sherloc (09022015). Collection method: clinical testing. Allele origin: germline.
Comment: This sequence change replaces glutamine, which is neutral and polar, with glutamic acid, which is acidic and polar, at codon 1319 of the ATRX protein (p.Gln1319Glu). This variant is not present in population databases (gnomAD no frequency). This variant has not been reported in the literature in individuals affected with ATRX-related conditions. ClinVar contains an entry for this variant (Variation ID: 2202557). Invitae Evidence Modeling of protein sequence and biophysical properties (such as structural, functional, and spatial information, amino acid conservation, physicochemical variation, residue mobility, and thermodynamic stability) indicates that this missense variant is not expected to disrupt ATRX protein function with a negative predictive value of 95%. In summary, the available evidence is currently insufficient to determine the role of this variant in disease. Therefore, it has been classified as a Variant of Uncertain Significance.

NM_000489.6(ATRX):c.3955C>G (p.Gln1319Glu)

Gene: ATRX (ATRX chromatin remodeler; minus strand). Cytogenetic location: Xq21.1.
Variant type: single nucleotide variant.
Coding change: c.3955C>G on transcript NM_000489.6 (MANE Select); coding-DNA position 3955, C replaced by G.
Protein change: p.Gln1319Glu; replaces glutamine 1319 with glutamic acid.
Molecular consequence: missense variant.
Genome position (GRCh38, 1-based): chrX:77,663,547, G>C on the plus strand (C>G on the coding strand, the complement: ATRX is on the minus strand). VCF-style: chrX-77663547-G-C. GRCh37 (hg19) VCF-style: chrX-76919036-G-C.
Other names: c.3841C>G, p.Gln1281Glu (NM_138270.5); short protein forms Q1281E, Q1319E.
Identifiers: ClinVar variation 2202557 (VCV002202557.2), dbSNP rs2148490130, ClinGen allele CA413699776.